The following is an entry in ClinVar:

NM_016343.4(CENPF):c.1090C>G (p.Leu364Val)

Gene: CENPF (centromere protein F; plus strand). Cytogenetic location: 1q41.
Variant type: single nucleotide variant.
Coding change: c.1090C>G on transcript NM_016343.4 (MANE Select); coding-DNA position 1090, C replaced by G.
Protein change: p.Leu364Val; replaces leucine 364 with valine.
Molecular consequence: missense variant.
Genome position (GRCh38, 1-based): chr1:214,629,067, C>G. VCF-style: chr1-214629067-C-G. GRCh37 (hg19) VCF-style: chr1-214802410-C-G.
Other names: short protein forms L364V.
Identifiers: ClinVar variation 2042894 (VCV002042894.6), dbSNP rs199872430, ClinGen allele CA1389937.
Genomic context (GRCh38, chr1:214,629,067, plus strand): 5'-AATATTTATTTTGTCTTGAACATTTTTATTCATTATTAGTATACTGCATTGGAACAAAAA[C>G]TGAAAAAATTGACGGAAGATTTGAGTTGTCAGCGACAAAATGCAGAAAGTGCCAGATGTT-3'
Protein context (NP_057427.3, residues 354-374): STKYTALEQK[Leu364Val]KKLTEDLSCQ

ClinVar aggregate classification (germline): Uncertain significance. Review status: criteria provided, multiple submitters, no conflicts (2 of 4 stars). 4 submissions from 4 submitters: Uncertain significance (4). Last evaluated 2025-06-27.

Conditions:
Inborn genetic diseases. Identifiers: MedGen C0950123, MeSH D030342.

Allele frequency attached by ClinVar (database versions not stated): 1000 Genomes Project 30x 0.00031; 1000 Genomes Project 0.00020; ESP Exome Variant Server 0.00031; gnomAD 0.00017; ExAC 0.00027; TOPMed 0.00088.
gnomAD v4.1: 758 of 1,609,046 alleles (0.047%); highest among the groups gnomAD compares: Non-Finnish European, 0.055%; 2 homozygotes.

Submissions (4):

GeneDx
Classification: Uncertain significance. Last evaluated: 2025-06-27. Review status: criteria provided, single submitter. Criteria: GeneDx Variant Classification Process June 2021. Collection method: clinical testing. Allele origin: germline. Affected: yes.
Comment: In silico analysis suggests that this missense variant does not alter protein structure/function; Has not been previously published as pathogenic or benign to our knowledge; No data available from control populations to assess the frequency of this variant

Women's Health and Genetics/Laboratory Corporation of America, LabCorp
Classification: Uncertain significance. Last evaluated: 2023-03-28. Review status: criteria provided, single submitter. Criteria: LabCorp Variant Classification Summary - May 2015. Collection method: clinical testing. Allele origin: germline.
Comment: Variant summary: CENPF c.1090C>G (p.Leu364Val) results in a conservative amino acid change in the encoded protein sequence. Three of five in-silico tools predict a benign effect of the variant on protein function. The variant allele was found at a frequency of 0.0003 in 247412 control chromosomes. The available data on variant occurrences in the general population are insufficient to allow any conclusion about variant significance. To our knowledge, no occurrence of c.1090C>G in individuals affected with Stromme Syndrome and no experimental evidence demonstrating its impact on protein function have been reported. One clinical diagnostic laboratory has submitted clinical-significance assessments for this variant to ClinVar after 2014 and classified the variant as uncertain significance. Based on the evidence outlined above, the variant was classified as uncertain significance.

Ambry Genetics
Classification: Uncertain significance for Inborn genetic diseases. Last evaluated: 2023-01-11. Review status: criteria provided, single submitter. Criteria: Ambry Variant Classification Scheme 2023. Collection method: clinical testing. Allele origin: germline.

Labcorp Genetics (formerly Invitae), Labcorp
Classification: Uncertain significance. Last evaluated: 2022-09-12. Review status: criteria provided, single submitter. Criteria: Invitae Variant Classification Sherloc (09022015). Collection method: clinical testing. Allele origin: germline.
Comment: In summary, the available evidence is currently insufficient to determine the role of this variant in disease. Therefore, it has been classified as a Variant of Uncertain Significance. Algorithms developed to predict the effect of missense changes on protein structure and function (SIFT, PolyPhen-2, Align-GVGD) all suggest that this variant is likely to be disruptive. This variant has not been reported in the literature in individuals affected with CENPF-related conditions. This variant is present in population databases (rs199872430, gnomAD 0.05%). This sequence change replaces leucine, which is neutral and non-polar, with valine, which is neutral and non-polar, at codon 364 of the CENPF protein (p.Leu364Val).